The following is an entry in ClinVar:

NM_001735.3(C5):c.713T>C (p.Ile238Thr)

Gene: C5 (complement C5; minus strand). Cytogenetic location: 9q33.2.
Variant type: single nucleotide variant.
Coding change: c.713T>C on transcript NM_001735.3 (MANE Select); coding-DNA position 713, T replaced by C.
Protein change: p.Ile238Thr; replaces isoleucine 238 with threonine.
Molecular consequence: missense variant.
Genome position (GRCh38, 1-based): chr9:121,030,442, A>G on the plus strand (T>C on the coding strand, the complement: C5 is on the minus strand). VCF-style: chr9-121030442-A-G. GRCh37 (hg19) VCF-style: chr9-123792720-A-G.
Other names: c.731T>C, p.Ile244Thr (NM_001317163.2); c.713T>C, p.Ile238Thr (NM_001317164.2); short protein forms I238T, I244T.
Identifiers: ClinVar variation 1018894 (VCV001018894.7), dbSNP rs567288479, ClinGen allele CA5218298.

ClinVar aggregate classification (germline): Uncertain significance. Review status: criteria provided, multiple submitters, no conflicts (2 of 4 stars). 2 submissions from 2 submitters: Uncertain significance (2). Last evaluated 2022-11-25.

Allele frequency attached by ClinVar (database versions not stated): gnomAD 0.00004; gnomAD exomes 0.00005 and 0.00007; TOPMed 0.00008; ExAC 0.00009; 1000 Genomes Project 30x 0.00016; 1000 Genomes Project 0.00020.
gnomAD v4.1: 79 of 1,545,390 alleles (0.0051%); highest among the groups gnomAD compares: Admixed American, 0.0078%; no homozygotes.

Submissions (2):

Blueprint Genetics
Classification: Uncertain significance. Last evaluated: 2022-11-25. Review status: criteria provided, single submitter. Criteria: ACMG Guidelines, 2015. Collection method: clinical testing. Allele origin: germline.

Labcorp Genetics (formerly Invitae), Labcorp
Classification: Uncertain significance. Last evaluated: 2022-10-25. Review status: criteria provided, single submitter. Criteria: Invitae Variant Classification Sherloc (09022015). Collection method: clinical testing. Allele origin: germline.
Comment: This sequence change replaces isoleucine, which is neutral and non-polar, with threonine, which is neutral and polar, at codon 238 of the C5 protein (p.Ile238Thr). This variant is present in population databases (rs567288479, gnomAD 0.01%). This missense change has been observed in individual(s) with complement component 5 (C5) deficiency (PMID: 28368462, 31440263). ClinVar contains an entry for this variant (Variation ID: 1018894). Algorithms developed to predict the effect of missense changes on protein structure and function are either unavailable or do not agree on the potential impact of this missense change (SIFT: "Deleterious"; PolyPhen-2: "Possibly Damaging"; Align-GVGD: "Class C0"). In summary, the available evidence is currently insufficient to determine the role of this variant in disease. Therefore, it has been classified as a Variant of Uncertain Significance.

Literature cited by the submitters: PubMed 28368462 (cited by Labcorp Genetics (formerly Invitae), Labcorp); PubMed 31440263 (cited by Labcorp Genetics (formerly Invitae), Labcorp).